The following is an entry in ClinVar:

NM_007144.3(PCGF2):c.598G>A (p.Glu200Lys)

Gene: PCGF2 (polycomb group ring finger 2; minus strand). Cytogenetic location: 17q12.
Variant type: single nucleotide variant.
Coding change: c.598G>A on transcript NM_007144.3 (MANE Select); coding-DNA position 598, G replaced by A.
Protein change: p.Glu200Lys; replaces glutamic acid 200 with lysine.
Molecular consequence: missense variant.
Genome position (GRCh38, 1-based): chr17:38,736,149, C>T on the plus strand (G>A on the coding strand, the complement: PCGF2 is on the minus strand). VCF-style: chr17-38736149-C-T. GRCh37 (hg19) VCF-style: chr17-36892402-C-T.
Other names: c.598G>A, p.Glu200Lys (NM_001369614.1, NM_001369615.1); c.598G>A (NM_007144.2); short protein forms E200K.
Identifiers: ClinVar variation 1481995 (VCV001481995.8), dbSNP rs747215640, ClinGen allele CA8524913.

ClinVar aggregate classification (germline): Conflicting classifications of pathogenicity. Review status: criteria provided, conflicting classifications (1 of 4 stars). 3 submissions from 3 submitters: Uncertain significance (1); Benign (1); Likely benign (1). Last evaluated 2026-02-13.

Conditions:
PCGF2-related disorder. Also called: PCGF2-related condition.

Allele frequency attached by ClinVar (database versions not stated): gnomAD 0.00003; TOPMed 0.00004; gnomAD exomes 0.00005; ExAC 0.00010.
gnomAD v4.1: 32 of 1,578,050 alleles (0.002%); highest among the groups gnomAD compares: Middle Eastern, 0.017%; no homozygotes.

Submissions (3):

PreventionGenetics, part of Exact Sciences
Classification: Uncertain significance for PCGF2-related condition. Last evaluated: 2026-02-13. Review status: criteria provided, single submitter. Criteria: ACMG Guidelines, 2015. Collection method: clinical testing. Allele origin: germline.
Comment: The PCGF2 c.598G>A variant is predicted to result in the amino acid substitution p.Glu200Lys. To our knowledge, this variant has not been reported in the literature. This variant is reported in 0.011% of alleles in individuals of Latino descent in gnomAD. Although we suspect that this variant may be benign, at this time, the clinical significance of this variant is uncertain due to the absence of conclusive functional and genetic evidence.

Labcorp Genetics (formerly Invitae), Labcorp
Classification: Benign. Last evaluated: 2025-06-23. Review status: criteria provided, single submitter. Criteria: Invitae Variant Classification Sherloc (09022015). Collection method: clinical testing. Allele origin: germline.

Blueprint Genetics
Classification: Likely benign. Last evaluated: 2024-10-16. Review status: criteria provided, single submitter. Criteria: ACMG Guidelines, 2015. Collection method: clinical testing. Allele origin: germline.